The following is an entry in ClinVar:

NM_001126108.2(SLC12A3):c.1291A>G (p.Thr431Ala)

Gene: SLC12A3 (solute carrier family 12 member 3; plus strand). Cytogenetic location: 16q13.
Variant type: single nucleotide variant.
Coding change: c.1291A>G on transcript NM_001126108.2 (MANE Select); coding-DNA position 1291, A replaced by G.
Protein change: p.Thr431Ala; replaces threonine 431 with alanine.
Molecular consequence: missense variant.
Genome position (GRCh38, 1-based): chr16:56,879,183, A>G. VCF-style: chr16-56879183-A-G. GRCh37 (hg19) VCF-style: chr16-56913095-A-G.
Other names: c.1291A>G, p.Thr431Ala (NM_000339.3); c.1288A>G, p.Thr430Ala (NM_001126107.2, NM_001410896.1); short protein forms T430A, T431A.
Identifiers: ClinVar variation 2187030 (VCV002187030.2), dbSNP rs771822469, ClinGen allele CA8069414.

ClinVar aggregate classification (germline): Uncertain significance (1 of 4 stars; one submission).

Allele frequency attached by ClinVar (database versions not stated): gnomAD 0.00001; ExAC 0.00002; gnomAD exomes 0.00002; TOPMed 0.00002.
gnomAD v4.1: 33 of 1,612,826 alleles (0.002%); highest among the groups gnomAD compares: Non-Finnish European, 0.0026%; no homozygotes.

Submission:

Labcorp Genetics (formerly Invitae), Labcorp
Classification: Uncertain significance. Last evaluated: 2025-11-03. Review status: criteria provided, single submitter. Criteria: Invitae Variant Classification Sherloc (09022015). Collection method: clinical testing. Allele origin: germline.
Comment: This sequence change replaces threonine, which is neutral and polar, with alanine, which is neutral and non-polar, at codon 431 of the SLC12A3 protein (p.Thr431Ala). This variant is present in population databases (rs771822469, gnomAD 0.004%). This variant has not been reported in the literature in individuals affected with SLC12A3-related conditions. ClinVar contains an entry for this variant (Variation ID: 2187030). Invitae Evidence Modeling of protein sequence and biophysical properties (such as structural, functional, and spatial information, amino acid conservation, physicochemical variation, residue mobility, and thermodynamic stability) indicates that this missense variant is not expected to disrupt SLC12A3 protein function with a negative predictive value of 95%. In summary, the available evidence is currently insufficient to determine the role of this variant in disease. Therefore, it has been classified as a Variant of Uncertain Significance.